The following is an entry in ClinVar:

NM_025137.4(SPG11):c.7302T>C (p.Gly2434=)

Gene: SPG11 (SPG11 vesicle trafficking associated, spatacsin; minus strand). Cytogenetic location: 15q21.1.
Variant type: single nucleotide variant.
Coding change: c.7302T>C on transcript NM_025137.4 (MANE Select); coding-DNA position 7302, T replaced by C.
Protein change: p.Gly2434=; no amino-acid change (glycine 2434 retained).
Molecular consequence: synonymous variant.
Genome position (GRCh38, 1-based): chr15:44,563,151, A>G on the plus strand (T>C on the coding strand, the complement: SPG11 is on the minus strand). VCF-style: chr15-44563151-A-G. GRCh37 (hg19) VCF-style: chr15-44855349-A-G.
Other names: c.6963T>C, p.Gly2321= (NM_001160227.2).
Identifiers: ClinVar variation 1143949 (VCV001143949.22), dbSNP rs1051055977, ClinGen allele CA270056037.

ClinVar aggregate classification (germline): Likely benign. Review status: criteria provided, multiple submitters, no conflicts (2 of 4 stars). 2 submissions from 2 submitters: Likely benign (2). Last evaluated 2025-02-01.

Conditions:
Hereditary spastic paraplegia 11. Also called: Spastic Paraplegia 11; Nakamura Osame syndrome; Autosomal recessive hereditary spastic paraplegia, mental impairment, and thin corpus callosum; Spastic paraplegia, mental retardation and thin corpus callosum; SPASTIC PARAPLEGIA, AUTOSOMAL RECESSIVE, COMPLICATED, WITH THIN CORPUS CALLOSUM; SPASTIC PARAPLEGIA, AUTOSOMAL RECESSIVE, WITH MENTAL IMPAIRMENT AND THIN CORPUS CALLOSUM. Identifiers: Orphanet 2822, MedGen C1858479, MONDO:0011445, OMIM 604360.

Allele frequency attached by ClinVar (database versions not stated): gnomAD exomes 0.00001 and 0.00002; TOPMed 0.00001; gnomAD 0.00003.
gnomAD v4.1: 18 of 1,614,064 alleles (0.0011%); highest among the groups gnomAD compares: Admixed American, 0.0067%; no homozygotes.

Submissions (2):

CeGaT Center for Human Genetics Tuebingen
Classification: Likely benign. Last evaluated: 2025-02-01. Review status: criteria provided, single submitter. Criteria: CeGaT Center For Human Genetics Tuebingen Variant Classification Criteria Version 2. Collection method: clinical testing. Allele origin: germline. Affected: yes. Observed: 1 variant allele.
Comment: SPG11: BP4, BP7

Labcorp Genetics (formerly Invitae), Labcorp
Classification: Likely benign for Hereditary spastic paraplegia 11. Last evaluated: 2024-07-15. Review status: criteria provided, single submitter. Criteria: Invitae Variant Classification Sherloc (09022015). Collection method: clinical testing. Allele origin: germline.